The following is an entry in ClinVar:

ClinVar aggregate classification (germline): Uncertain significance. Review status: criteria provided, multiple submitters, no conflicts (2 of 4 stars). 2 submissions from 2 submitters: Uncertain significance (2). Last evaluated 2025-08-11.

Conditions:
Hereditary cancer-predisposing syndrome. Also called: Neoplastic Syndromes, Hereditary; Tumor predisposition; Hereditary Cancer Syndrome; Hereditary neoplastic syndrome. Identifiers: Orphanet 140162, MedGen C0027672, MeSH D009386, MONDO:0015356.
Mitochondrial complex II deficiency, nuclear type 1. Also called: SUCCINATE CoQ REDUCTASE DEFICIENCY. Identifiers: Orphanet 3208, MedGen C5700310, MONDO:0100294, OMIM 252011.
Pheochromocytoma/paraganglioma syndrome 5. Also called: Paragangliomas 5; SDHA-Related Hereditary Paraganglioma-Pheochromocytoma Syndrome. Identifiers: Orphanet 29072, MedGen C3279992, MONDO:0013602, OMIM 614165.

Allele frequency attached by ClinVar (database versions not stated): gnomAD exomes below 0.00001.
gnomAD v4.1: 3 of 1,614,176 alleles (0.00019%); highest among the groups gnomAD compares: Non-Finnish European, 0.00025%; no homozygotes.

Submissions (2):

Labcorp Genetics (formerly Invitae), Labcorp
Classification: Uncertain significance for Pheochromocytoma/paraganglioma syndrome 5; Mitochondrial complex II deficiency, nuclear type 1. Last evaluated: 2025-08-11. Review status: criteria provided, single submitter. Criteria: Invitae Variant Classification Sherloc (09022015). Collection method: clinical testing. Allele origin: germline.
Comment: This sequence change replaces tyrosine, which is neutral and polar, with cysteine, which is neutral and slightly polar, at codon 205 of the SDHA protein (p.Tyr205Cys). This variant is not present in population databases (gnomAD no frequency). This variant has not been reported in the literature in individuals affected with SDHA-related conditions. ClinVar contains an entry for this variant (Variation ID: 2937815). Invitae Evidence Modeling of protein sequence and biophysical properties (such as structural, functional, and spatial information, amino acid conservation, physicochemical variation, residue mobility, and thermodynamic stability) has been performed for this missense variant. However, the output from this modeling did not meet the statistical confidence thresholds required to predict the impact of this variant on SDHA protein function. In summary, the available evidence is currently insufficient to determine the role of this variant in disease. Therefore, it has been classified as a Variant of Uncertain Significance.

Ambry Genetics
Classification: Uncertain significance for Hereditary cancer-predisposing syndrome. Last evaluated: 2025-01-31. Review status: criteria provided, single submitter. Criteria: Ambry Variant Classification Scheme 2023. Collection method: clinical testing. Allele origin: germline.
Comment: The p.Y205C variant (also known as c.614A>G), located in coding exon 5 of the SDHA gene, results from an A to G substitution at nucleotide position 614. The tyrosine at codon 205 is replaced by cysteine, an amino acid with highly dissimilar properties. This amino acid position is highly conserved in available vertebrate species. In addition, this alteration is predicted to be deleterious by in silico analysis. Based on the available evidence, the clinical significance of this variant remains unclear.

NM_004168.4(SDHA):c.614A>G (p.Tyr205Cys)

Gene: SDHA (succinate dehydrogenase complex flavoprotein subunit A; plus strand). Cytogenetic location: 5p15.33.
Variant type: single nucleotide variant.
Coding change: c.614A>G on transcript NM_004168.4 (MANE Select); coding-DNA position 614, A replaced by G.
Protein change: p.Tyr205Cys; replaces tyrosine 205 with cysteine.
Molecular consequence: missense variant.
Genome position (GRCh38, 1-based): chr5:226,040, A>G. VCF-style: chr5-226040-A-G. GRCh37 (hg19) VCF-style: chr5-226155-A-G.
Other names: c.614A>G (NM_004168.2); c.470A>G, p.Tyr157Cys (NM_001294332.2); c.614A>G, p.Tyr205Cys (NM_001330758.2); short protein forms Y205C, Y157C.
Identifiers: ClinVar variation 2937815 (VCV002937815.4), dbSNP rs2477301272, ClinGen allele CA359010663.